The following is an entry in ClinVar:

NM_152703.5(SAMD9L):c.3154G>C (p.Asp1052His)

Gene: SAMD9L (sterile alpha motif domain containing 9 like; minus strand). Cytogenetic location: 7q21.2.
Variant type: single nucleotide variant.
Coding change: c.3154G>C on transcript NM_152703.5 (MANE Select); coding-DNA position 3154, G replaced by C.
Protein change: p.Asp1052His; replaces aspartic acid 1052 with histidine.
Molecular consequence: missense variant.
Genome position (GRCh38, 1-based): chr7:93,132,818, C>G on the plus strand (G>C on the coding strand, the complement: SAMD9L is on the minus strand). VCF-style: chr7-93132818-C-G. GRCh37 (hg19) VCF-style: chr7-92762131-C-G.
Other names: c.3154G>C, p.Asp1052His (NM_001303496.3, NM_001303497.3, NM_001303498.3 and 5 more transcripts); short protein forms D1052H.
Identifiers: ClinVar variation 5028982 (VCV005028982.1).
Genomic context (GRCh38, chr7:93,132,818, plus strand): 5'-TCAAGACCTTTTCAATGTCTTTATTCTGTAAAGCTTCCATTAATGGGGAAAACAGAGTGT[C>G]TGTTTCATCTCCATACACCTTGCGCTGTCTTGTAAGCAGAAGAGTTTGAACATCATGTTG-3'
Protein context (NP_689916.2, residues 1042-1062): RQRKVYGDET[Asp1052His]TLFSPLMEAL

ClinVar aggregate classification (germline): Uncertain significance (1 of 4 stars; one submission).

Conditions:
Inborn genetic diseases. Identifiers: MedGen C0950123, MeSH D030342.

Submission:

Ambry Genetics
Classification: Uncertain significance for Inborn genetic diseases. Last evaluated: 2026-09-05. Review status: criteria provided, single submitter. Criteria: Ambry Variant Classification Scheme 2023. Collection method: clinical testing. Allele origin: germline.
Comment: The p.D1052H variant (also known as c.3154G>C), located in coding exon 1 of the SAMD9L gene, results from a G to C substitution at nucleotide position 3154. The aspartic acid at codon 1052 is replaced by histidine, an amino acid with similar properties. This amino acid position is conserved. In addition, this alteration is predicted to be tolerated by in silico analysis. Based on the available evidence, the clinical significance of this variant remains unclear.